The following is an entry in ClinVar:

ClinVar aggregate classification (germline): Uncertain significance. Review status: criteria provided, multiple submitters, no conflicts (2 of 4 stars). 2 submissions from 2 submitters: Uncertain significance (2). Last evaluated 2026-01-22.

Conditions:
Hereditary cancer-predisposing syndrome. Also called: Neoplastic Syndromes, Hereditary; Hereditary Cancer Syndrome; Hereditary neoplastic syndrome; Tumor predisposition. Identifiers: Orphanet 140162, MedGen C0027672, MeSH D009386, MONDO:0015356.
DICER1-related tumor predisposition. Also called: DICER1-related pleuropulmonary blastoma cancer predisposition syndrome; DICER1 syndrome. Identifiers: Orphanet 284343, MedGen C3839822, MONDO:0100216.

Allele frequency attached by ClinVar (database versions not stated): gnomAD exomes below 0.00001; ExAC 0.00001.
gnomAD v4.1: 1 of 1,614,210 alleles (0.000062%); highest among the groups gnomAD compares: Non-Finnish European, 0.000085%; no homozygotes.

Submissions (2):

Labcorp Genetics (formerly Invitae), Labcorp
Classification: Uncertain significance for DICER1-related tumor predisposition. Last evaluated: 2026-01-22. Review status: criteria provided, single submitter. Criteria: Invitae Variant Classification Sherloc (09022015). Collection method: clinical testing. Allele origin: germline.
Comment: This sequence change replaces aspartic acid, which is acidic and polar, with asparagine, which is neutral and polar, at codon 1598 of the DICER1 protein (p.Asp1598Asn). This variant is present in population databases (rs757177980, gnomAD 0.0009%). This variant has not been reported in the literature in individuals affected with DICER1-related conditions. ClinVar contains an entry for this variant (Variation ID: 825174). Invitae Evidence Modeling of protein sequence and biophysical properties (such as structural, functional, and spatial information, amino acid conservation, physicochemical variation, residue mobility, and thermodynamic stability) indicates that this missense variant is not expected to disrupt DICER1 protein function with a negative predictive value of 95%. In summary, the available evidence is currently insufficient to determine the role of this variant in disease. Therefore, it has been classified as a Variant of Uncertain Significance.

Ambry Genetics
Classification: Uncertain significance for Hereditary cancer-predisposing syndrome. Last evaluated: 2023-01-13. Review status: criteria provided, single submitter. Criteria: Ambry Variant Classification Scheme 2023. Collection method: clinical testing. Allele origin: germline.
Comment: The p.D1598N variant (also known as c.4792G>A), located in coding exon 22 of the DICER1 gene, results from a G to A substitution at nucleotide position 4792. The aspartic acid at codon 1598 is replaced by asparagine, an amino acid with highly similar properties. This amino acid position is not well conserved in available vertebrate species. In addition, this alteration is predicted to be tolerated by in silico analysis. Since supporting evidence is limited at this time, the clinical significance of this alteration remains unclear.

NM_177438.3(DICER1):c.4792G>A (p.Asp1598Asn)

Gene: DICER1 (dicer 1, ribonuclease III; minus strand). Cytogenetic location: 14q32.13.
Variant type: single nucleotide variant.
Coding change: c.4792G>A on transcript NM_177438.3 (MANE Select); coding-DNA position 4792, G replaced by A.
Protein change: p.Asp1598Asn; replaces aspartic acid 1598 with asparagine.
Molecular consequence: missense variant.
Genome position (GRCh38, 1-based): chr14:95,096,128, C>T on the plus strand (G>A on the coding strand, the complement: DICER1 is on the minus strand). VCF-style: chr14-95096128-C-T. GRCh37 (hg19) VCF-style: chr14-95562465-C-T.
Other names: c.4792G>A, p.Asp1598Asn (NM_001195573.1, NM_001271282.3, NM_001291628.2 and 1 more transcripts); short protein forms D1598N.
Identifiers: ClinVar variation 825174 (VCV000825174.12), dbSNP rs757177980, ClinGen allele CA7330799.